The following is an entry in ClinVar:

ClinVar aggregate classification (germline): Uncertain significance (1 of 4 stars; one submission).

Conditions:
Inborn genetic diseases. Identifiers: MedGen C0950123, MeSH D030342.

Allele frequency attached by ClinVar (database versions not stated): gnomAD exomes below 0.00001 and 0.00001; gnomAD 0.00001; TOPMed 0.00001.
gnomAD v4.1: 5 of 1,613,992 alleles (0.00031%); highest among the groups gnomAD compares: Non-Finnish European, 0.00034%; no homozygotes.

Submission:

Ambry Genetics
Classification: Uncertain significance for Inborn genetic diseases. Last evaluated: 2017-12-08. Review status: criteria provided, single submitter. Criteria: Ambry Variant Classification Scheme 2023. Collection method: clinical testing. Allele origin: germline.
Comment: The p.S1507I variant (also known as c.4520G>T), located in coding exon 16 of the KAT6A gene, results from a G to T substitution at nucleotide position 4520. The serine at codon 1507 is replaced by isoleucine, an amino acid with dissimilar properties. This amino acid position is not well conserved in available vertebrate species. In addition, this alteration is predicted to be tolerated by in silico analysis. Since supporting evidence is limited at this time, the clinical significance of this alteration remains unclear.

NM_006766.5(KAT6A):c.4520G>T (p.Ser1507Ile)

Gene: KAT6A (lysine acetyltransferase 6A; minus strand). Cytogenetic location: 8p11.21.
Variant type: single nucleotide variant.
Coding change: c.4520G>T on transcript NM_006766.5 (MANE Select); coding-DNA position 4520, G replaced by T.
Protein change: p.Ser1507Ile; replaces serine 1507 with isoleucine.
Molecular consequence: missense variant.
Genome position (GRCh38, 1-based): chr8:41,933,700, C>A on the plus strand (G>T on the coding strand, the complement: KAT6A is on the minus strand). VCF-style: chr8-41933700-C-A. GRCh37 (hg19) VCF-style: chr8-41791218-C-A.
Other names: short protein forms S1507I.
Identifiers: ClinVar variation 589580 (VCV000589580.5), dbSNP rs1216447981, ClinGen allele CA371065647.